The following is an entry in ClinVar:

ClinVar aggregate classification (germline): Benign/Likely benign. Review status: criteria provided, multiple submitters, no conflicts (2 of 4 stars). 5 submissions from 5 submitters: Benign (1); Likely benign (3). 1 of the submissions does not count toward it. Last evaluated 2026-02-02.

Conditions:
Deficiency of ferroxidase (ACEP). Also called: NEURODEGENERATION WITH BRAIN IRON ACCUMULATION 10; Ceruloplasmin deficiency; Familial apoceruloplasmin deficiency; Hereditary ceruloplasmin deficiency; Deficiency of ceruloplasmin; Aceruloplasminemia. Identifiers: Orphanet 48818, MedGen C0878682, MONDO:0011426, OMIM 604290, HP:0025498.

Allele frequency attached by ClinVar (database versions not stated): gnomAD exomes 0.00133 and 0.00350; ExAC 0.00415; gnomAD 0.01362 and 0.01447; TOPMed 0.01481; ESP Exome Variant Server 0.01507; 1000 Genomes Project 0.01518; 1000 Genomes Project 30x 0.01733.
gnomAD v4.1: 4,107 of 1,613,912 alleles (0.25%); highest among the groups gnomAD compares: African/African-American, 4.4%; 78 homozygotes.

Submissions (5):

Labcorp Genetics (formerly Invitae), Labcorp
Classification: Benign for Deficiency of ferroxidase. Last evaluated: 2026-02-02. Review status: criteria provided, single submitter. Criteria: Invitae Variant Classification Sherloc (09022015). Collection method: clinical testing. Allele origin: germline.

GeneDx
Classification: Likely benign. Last evaluated: 2023-07-18. Review status: criteria provided, single submitter. Criteria: GeneDx Variant Classification Process June 2021. Collection method: clinical testing. Allele origin: germline. Affected: yes.
Comment: See Variant Classification Assertion Criteria.

Illumina Laboratory Services, Illumina
Classification: Likely benign for Deficiency of ferroxidase. Last evaluated: 2017-04-27. Review status: criteria provided, single submitter. Criteria: ICSL Variant Classification Criteria 13 December 2019. Collection method: clinical testing. Allele origin: germline.
Comment: This variant was observed as part of a predisposition screen in an ostensibly healthy population. A literature search was performed for the gene, cDNA change, and amino acid change (where applicable). No publications were found based on this search. Allele frequency data from public databases allowed determination this variant is unlikely to cause disease. Therefore, this variant is classified as likely benign.

Breakthrough Genomics
Classification: Likely benign. Review status: criteria provided, single submitter. Criteria: ACMG Guidelines, 2015. Collection method: not provided. Allele origin: germline. Inheritance: Autosomal recessive inheritance. Affected: yes.

Genetic Services Laboratory, University of Chicago
Classification: Likely benign for AllHighlyPenetrant. Review status: no assertion criteria provided. Collection method: clinical testing. Allele origin: germline. Inheritance: Autosomal recessive inheritance. Not counted in ClinVar's aggregate classification.
Comment: Likely benign based on allele frequency in 1000 Genomes Project or ESP global frequency and its presence in a patient with a rare or unrelated disease phenotype. NOT Sanger confirmed.

NM_000096.4(CP):c.1099C>T (p.Arg367Cys)

Gene: CP (ceruloplasmin; minus strand). Cytogenetic location: 3q25.1.
Variant type: single nucleotide variant.
Coding change: c.1099C>T on transcript NM_000096.4 (MANE Select); coding-DNA position 1099, C replaced by T.
Protein change: p.Arg367Cys; replaces arginine 367 with cysteine.
Molecular consequence: missense variant. On other transcripts: non-coding transcript variant (1).
Genome position (GRCh38, 1-based): chr3:149,206,277, G>A on the plus strand (C>T on the coding strand, the complement: CP is on the minus strand). VCF-style: chr3-149206277-G-A. GRCh37 (hg19) VCF-style: chr3-148924064-G-A.
Other names: short protein forms R367C.
Identifiers: ClinVar variation 128837 (VCV000128837.24), dbSNP rs34624984, ClinGen allele CA152486.